The following is an entry in ClinVar:

ClinVar aggregate classification (germline): Pathogenic (1 of 4 stars; one submission).

Conditions:
Tuberous sclerosis 1 (TSC1). Identifiers: Orphanet 805, MedGen C1854465, MONDO:0008612, OMIM 191100.

Submission:

Labcorp Genetics (formerly Invitae), Labcorp
Classification: Pathogenic for Tuberous sclerosis 1. Last evaluated: 2021-06-29. Review status: criteria provided, single submitter. Criteria: Invitae Variant Classification Sherloc (09022015). Collection method: clinical testing. Allele origin: germline.
Comment: This sequence change creates a premature translational stop signal (p.Leu853Trpfs*25) in the TSC1 gene. It is expected to result in an absent or disrupted protein product. Loss-of-function variants in TSC1 are known to be pathogenic (PMID: 10227394, 17304050). This variant is not present in population databases (ExAC no frequency). For these reasons, this variant has been classified as Pathogenic. This variant has not been reported in the literature in individuals with TSC1-related conditions.

Literature cited by the submitters: PubMed 10227394; PubMed 17304050.

NM_000368.5(TSC1):c.2556del (p.Leu853fs)

Gene: TSC1 (TSC complex subunit 1; minus strand). Cytogenetic location: 9q34.13.
Variant type: Deletion.
Coding change: c.2556del on transcript NM_000368.5 (MANE Select); coding-DNA position 2556, one base deleted (G; older notation c.2556delG).
Protein change: p.Leu853fs; shifts the reading frame from leucine 853.
Molecular consequence: frameshift variant.
Genome position (GRCh38, 1-based): chr9:132,900,784, C deleted on the plus strand (G on the coding strand, the reverse complement: TSC1 is on the minus strand). VCF-style (leftmost placement, unchanged base first): chr9-132900783-AC-A. GRCh37 (hg19) VCF-style: chr9-135776170-AC-A.
Other names: c.2553del, p.Leu852fs (NM_001162426.2); c.2403del, p.Leu802fs (NM_001162427.2); c.2193del, p.Leu732fs (NM_001362177.2); short protein forms L732fs, L852fs, L802fs, L853fs.
Identifiers: ClinVar variation 1441869 (VCV001441869.6), dbSNP rs2131687509, ClinGen allele CA2573144204.